The following is an entry in ClinVar:

ClinVar aggregate classification (germline): Uncertain significance (1 of 4 stars; one submission).

Submission:

Dasa
Classification: Uncertain significance. Last evaluated: 2024-11-05. Review status: criteria provided, single submitter. Criteria: DASA Assertion Criteria. Collection method: clinical testing. Allele origin: germline.
Comment: NM_021964.3(ZNF148):c.1687G>A (p.Ala563Thr) is a missense variant that results in the substitution of alanine with threonine. This variant is absent from population databases. Computational prediction algorithms are consistent with a benign effect. The currently available literature and clinical evidence are not sufficient to establish a definitive association between this variant and the reported condition. Therefore, this variant is classified as a variant of uncertain significance.

NM_021964.3(ZNF148):c.1687G>A (p.Ala563Thr)

Genes: ZNF148 (zinc finger protein 148; minus strand), LOC126806798 (P300/CBP strongly-dependent group 1 enhancer GRCh37_chr3:124950809-124952008; plus strand). Cytogenetic location: 3q21.2.
Variant type: single nucleotide variant.
Coding change: c.1687G>A on transcript NM_021964.3 (MANE Select); coding-DNA position 1687, G replaced by A.
Protein change: p.Ala563Thr; replaces alanine 563 with threonine.
Molecular consequence: missense variant.
Genome position (GRCh38, 1-based): chr3:125,233,039, C>T on the plus strand (G>A on the coding strand, the complement: ZNF148 is on the minus strand). VCF-style: chr3-125233039-C-T. GRCh37 (hg19) VCF-style: chr3-124951883-C-T.
Other names: c.1687G>A, p.Ala563Thr (NM_001348431.2, NM_001348432.2, NM_001348433.2 and 7 more transcripts); c.1561G>A, p.Ala521Thr (NM_001348434.2); short protein forms A521T, A563T.
Identifiers: ClinVar variation 4882069 (VCV004882069.2).